The following is an entry in ClinVar:

NM_001148.6(ANK2):c.8600C>A (p.Ala2867Asp)

Gene: ANK2 (ankyrin 2; plus strand). Cytogenetic location: 4q26.
Variant type: single nucleotide variant.
Coding change: c.8600C>A on transcript NM_001148.6 (MANE Select); coding-DNA position 8600, C replaced by A.
Protein change: p.Ala2867Asp; replaces alanine 2867 with aspartic acid.
Molecular consequence: missense variant. On other transcripts: intron variant (68).
Genome position (GRCh38, 1-based): chr4:113,357,218, C>A. VCF-style: chr4-113357218-C-A. GRCh37 (hg19) VCF-style: chr4-114278374-C-A.
Other names: c.8366C>A, p.Ala2789Asp (NM_001386142.1); c.5000C>A, p.Ala1667Asp (NM_001386166.1); c.8741C>A, p.Ala2914Asp (NM_001386174.1); c.8717C>A, p.Ala2906Asp (NM_001386175.1); c.4412-3605C>A (NM_001386186.2, NM_001386148.2); c.4214-3605C>A (NM_001354269.3); c.4292-3605C>A (NM_001386187.2); c.4253-3605C>A (NM_001386147.1); and 35 more; short protein forms A1667D, A2789D, A2867D, A2906D, A2914D.
Identifiers: ClinVar variation 3221018 (VCV003221018.1), dbSNP rs2505872146, ClinGen allele CA357934414.

ClinVar aggregate classification (germline): Uncertain significance (1 of 4 stars; one submission).

Conditions:
Cardiovascular phenotype. Identifiers: MedGen CN230736.

Allele frequency attached by ClinVar (database versions not stated): gnomAD exomes below 0.00001.
gnomAD v4.1: 2 of 1,614,030 alleles (0.00012%); highest among the groups gnomAD compares: Non-Finnish European, 0.00017%; no homozygotes.

Submission:

Ambry Genetics
Classification: Uncertain significance for Cardiovascular phenotype. Last evaluated: 2023-12-10. Review status: criteria provided, single submitter. Criteria: Ambry Variant Classification Scheme 2023. Collection method: clinical testing. Allele origin: germline.
Comment: The p.A2867D variant (also known as c.8600C>A), located in coding exon 38 of the ANK2 gene, results from a C to A substitution at nucleotide position 8600. The alanine at codon 2867 is replaced by aspartic acid, an amino acid with dissimilar properties. This amino acid position is conserved. In addition, this alteration is predicted to be tolerated by in silico analysis. Since supporting evidence is limited at this time, the clinical significance of this alteration remains unclear.